The following is an entry in ClinVar:

NM_000548.5(TSC2):c.614T>C (p.Leu205Pro)

Gene: TSC2 (TSC complex subunit 2; plus strand). Cytogenetic location: 16p13.3.
Variant type: single nucleotide variant.
Coding change: c.614T>C on transcript NM_000548.5 (MANE Select); coding-DNA position 614, T replaced by C.
Protein change: p.Leu205Pro; replaces leucine 205 with proline.
Molecular consequence: missense variant.
Genome position (GRCh38, 1-based): chr16:2,056,210, T>C. VCF-style: chr16-2056210-T-C. GRCh37 (hg19) VCF-style: chr16-2106211-T-C.
Other names: c.614T>C, p.Leu205Pro (NM_001077183.3, NM_001114382.3, NM_001363528.2 and 3 more transcripts); c.503T>C, p.Leu168Pro (NM_001318827.2); c.467T>C, p.Leu156Pro (NM_001318829.2); c.14T>C, p.Leu5Pro (NM_001318831.2); c.647T>C, p.Leu216Pro (NM_001318832.2); short protein forms L168P, L5P, L156P, L205P, L216P.
Identifiers: ClinVar variation 859992 (VCV000859992.12), dbSNP rs2085789314, ClinGen allele CA394310690.

ClinVar aggregate classification (germline): Uncertain significance. Review status: criteria provided, multiple submitters, no conflicts (2 of 4 stars). 3 submissions from 3 submitters: Uncertain significance (3). Last evaluated 2025-12-10.

Conditions:
Hereditary cancer-predisposing syndrome. Also called: Hereditary neoplastic syndrome; Tumor predisposition; Neoplastic Syndromes, Hereditary; Hereditary Cancer Syndrome. Identifiers: Orphanet 140162, MedGen C0027672, MeSH D009386, MONDO:0015356.
Tuberous sclerosis syndrome (TSC). Also called: Tuberous Sclerosis Complex; Tuberous sclerosis. Identifiers: Orphanet 805, MedGen C0041341, MONDO:0001734.
Tuberous sclerosis 2 (TSC2). Identifiers: Orphanet 805, MedGen C1860707, MONDO:0013199, OMIM 613254.

Submissions (3):

Ambry Genetics
Classification: Uncertain significance for Hereditary cancer-predisposing syndrome. Last evaluated: 2025-12-10. Review status: criteria provided, single submitter. Criteria: Ambry Variant Classification Scheme 2023. Collection method: clinical testing. Allele origin: germline.
Comment: The p.L205P variant (also known as c.614T>C), located in coding exon 6 of the TSC2 gene, results from a T to C substitution at nucleotide position 614. The leucine at codon 205 is replaced by proline, an amino acid with similar properties. This amino acid position is conserved. In addition, this alteration is predicted to be deleterious by in silico analysis. Based on the available evidence, the clinical significance of this variant remains unclear.

Labcorp Genetics (formerly Invitae), Labcorp
Classification: Uncertain significance for Tuberous sclerosis 2. Last evaluated: 2024-09-17. Review status: criteria provided, single submitter. Criteria: Invitae Variant Classification Sherloc (09022015). Collection method: clinical testing. Allele origin: germline.
Comment: This sequence change replaces leucine, which is neutral and non-polar, with proline, which is neutral and non-polar, at codon 205 of the TSC2 protein (p.Leu205Pro). This variant is not present in population databases (gnomAD no frequency). This variant has not been reported in the literature in individuals affected with TSC2-related conditions. ClinVar contains an entry for this variant (Variation ID: 859992). Invitae Evidence Modeling of protein sequence and biophysical properties (such as structural, functional, and spatial information, amino acid conservation, physicochemical variation, residue mobility, and thermodynamic stability) indicates that this missense variant is not expected to disrupt TSC2 protein function with a negative predictive value of 95%. In summary, the available evidence is currently insufficient to determine the role of this variant in disease. Therefore, it has been classified as a Variant of Uncertain Significance.

All of Us Research Program, National Institutes of Health
Classification: Uncertain significance for Tuberous sclerosis syndrome. Last evaluated: 2023-11-02. Review status: criteria provided, single submitter. Criteria: ACMG Guidelines, 2015. Collection method: clinical testing. Allele origin: germline. Inheritance: Autosomal dominant inheritance. Observed: 1 variant allele, 1 heterozygote.
Comment: This missense variant replaces leucine with proline at codon 205 of the TSC2 protein. Computational prediction suggests that this variant may have deleterious impact on protein structure and function (internally defined REVEL score threshold >= 0.7, PMID: 27666373). To our knowledge, functional studies have not been reported for this variant. This variant has not been reported in individuals affected with TSC2-related disorders in the literature. This variant has not been identified in the general population by the Genome Aggregation Database (gnomAD). The available evidence is insufficient to determine the role of this variant in disease conclusively. Therefore, this variant is classified as a Variant of Uncertain Significance.

This study involves interpretation of variants in research participants for the purpose of population health screening. Participant phenotype was not available at the time of variant classification. Additional details can be found in publication PMID: 35346344, PMCID: PMC8962531